The following is an entry in ClinVar:

ClinVar aggregate classification (germline): Benign/Likely benign. Review status: criteria provided, multiple submitters, no conflicts (2 of 4 stars). 3 submissions from 3 submitters: Benign (1); Likely benign (1). 1 of the submissions does not count toward it. Last evaluated 2025-06-23.

Conditions:
Inborn genetic diseases. Identifiers: MedGen C0950123, MeSH D030342.
ETV6-related disorder. Also called: ETV6-related condition.

Allele frequency attached by ClinVar (database versions not stated): gnomAD 0.00005; 1000 Genomes Project 30x 0.00016; 1000 Genomes Project 0.00020; TOPMed 0.00001; gnomAD exomes 0.00020; ExAC 0.00036.
gnomAD v4.1: 289 of 1,614,192 alleles (0.018%); highest among the groups gnomAD compares: South Asian, 0.29%; 2 homozygotes.

Submissions (3):

Labcorp Genetics (formerly Invitae), Labcorp
Classification: Benign. Last evaluated: 2025-06-23. Review status: criteria provided, single submitter. Criteria: Invitae Variant Classification Sherloc (09022015). Collection method: clinical testing. Allele origin: germline.

Ambry Genetics
Classification: Likely benign for Inborn genetic diseases. Last evaluated: 2024-08-21. Review status: criteria provided, single submitter. Criteria: Ambry Variant Classification Scheme 2023. Collection method: clinical testing. Allele origin: germline.

PreventionGenetics, part of Exact Sciences
Classification: Likely benign for ETV6-related condition. Last evaluated: 2020-01-23. Review status: no assertion criteria provided. Collection method: clinical testing. Allele origin: germline. Not counted in ClinVar's aggregate classification.
Comment: This variant is classified as likely benign based on ACMG/AMP sequence variant interpretation guidelines (Richards et al. 2015 PMID: 25741868, with internal and published modifications).

NM_001987.5(ETV6):c.195C>T (p.Asp65=)

Genes: ETV6 (ETS variant transcription factor 6; plus strand), LOC126861451 (BRD4-independent group 4 enhancer GRCh37_chr12:11991350-11992549; plus strand). Cytogenetic location: 12p13.2.
Variant type: single nucleotide variant.
Coding change: c.195C>T on transcript NM_001987.5 (MANE Select); coding-DNA position 195, C replaced by T.
Protein change: p.Asp65=; no amino-acid change (aspartic acid 65 retained).
Molecular consequence: synonymous variant. On other transcripts: 5 prime UTR variant (1).
Genome position (GRCh38, 1-based): chr12:11,839,171, C>T. VCF-style: chr12-11839171-C-T. GRCh37 (hg19) VCF-style: chr12-11992105-C-T.
Other names: c.192C>T, p.Asp64= (NM_001413913.1); c.168C>T, p.Asp56= (NM_001413914.1); c.-70C>T (NM_001413915.1); c.195C>T, p.Asp65= (NM_001413916.1, NM_001413917.1, NM_001413918.1).
Identifiers: ClinVar variation 3018703 (VCV003018703.6), dbSNP rs553200577, ClinGen allele CA6454180.